The following is an entry in ClinVar:

NM_000179.3(MSH6):c.3067G>A (p.Glu1023Lys)

Gene: MSH6 (mutS homolog 6; plus strand). Cytogenetic location: 2p16.3.
Variant type: single nucleotide variant.
Coding change: c.3067G>A on transcript NM_000179.3 (MANE Select); coding-DNA position 3067, G replaced by A.
Protein change: p.Glu1023Lys; replaces glutamic acid 1023 with lysine.
Molecular consequence: missense variant.
Genome position (GRCh38, 1-based): chr2:47,801,050, G>A. VCF-style: chr2-47801050-G-A. GRCh37 (hg19) VCF-style: chr2-48028189-G-A.
Other names: c.2989G>A, p.Glu997Lys (NM_001406804.1); c.2770G>A, p.Glu924Lys (NM_001406805.1, NM_001406797.1, NM_001406801.1 and 10 more transcripts); c.2542G>A, p.Glu848Lys (NM_001406807.1, NM_001406806.1, NM_001406799.1); c.3067G>A, p.Glu1023Lys (NM_001406808.1, NM_001406809.1, NM_001406796.1 and 2 more transcripts); c.2161G>A, p.Glu721Lys (NM_001406811.1, NM_001281493.2, NM_001281494.2 and 6 more transcripts); c.2677G>A, p.Glu893Lys (NM_001281492.2); c.3163G>A, p.Glu1055Lys (NM_001406795.1, NM_001406802.1); c.3073G>A, p.Glu1025Lys (NM_001406813.1); and 2 more; short protein forms E1055K, E1025K, E721K, E848K, E967K, E997K, E1023K, E338K.
Identifiers: ClinVar variation 1799442 (VCV001799442.3), dbSNP rs267608059, ClinGen allele CA346756537.

ClinVar aggregate classification (germline): Uncertain significance (1 of 4 stars; one submission).

Conditions:
Hereditary cancer-predisposing syndrome. Also called: Neoplastic Syndromes, Hereditary; Tumor predisposition; Hereditary Cancer Syndrome; Hereditary neoplastic syndrome. Identifiers: Orphanet 140162, MedGen C0027672, MeSH D009386, MONDO:0015356.

Allele frequency attached by ClinVar (database versions not stated): gnomAD exomes below 0.00001.
gnomAD v4.1: 2 of 1,600,452 alleles (0.00012%); highest among the groups gnomAD compares: Non-Finnish European, 0.00017%; no homozygotes.

Submission:

Ambry Genetics
Classification: Uncertain significance for Hereditary cancer-predisposing syndrome. Last evaluated: 2024-04-09. Review status: criteria provided, single submitter. Criteria: Ambry Variant Classification Scheme 2023. Collection method: clinical testing. Allele origin: germline.
Comment: The p.E1023K variant (also known as c.3067G>A), located in coding exon 4 of the MSH6 gene, results from a G to A substitution at nucleotide position 3067. The glutamic acid at codon 1023 is replaced by lysine, an amino acid with similar properties. This amino acid position is highly conserved in available vertebrate species. In addition, this alteration is predicted to be deleterious by in silico analysis. Since supporting evidence is limited at this time, the clinical significance of this alteration remains unclear.